The following is an entry in ClinVar:

NM_005629.4(SLC6A8):c.1408T>C (p.Phe470Leu)

Gene: SLC6A8 (solute carrier family 6 member 8; plus strand). Cytogenetic location: Xq28.
Variant type: single nucleotide variant.
Coding change: c.1408T>C on transcript NM_005629.4 (MANE Select); coding-DNA position 1408, T replaced by C.
Protein change: p.Phe470Leu; replaces phenylalanine 470 with leucine.
Molecular consequence: missense variant.
Genome position (GRCh38, 1-based): chrX:153,694,359, T>C. VCF-style: chrX-153694359-T-C. GRCh37 (hg19) VCF-style: chrX-152959814-T-C.
Other names: c.1378T>C, p.Phe460Leu (NM_001142805.2); c.1063T>C, p.Phe355Leu (NM_001142806.1); short protein forms F355L, F460L, F470L.
Identifiers: ClinVar variation 4681903 (VCV004681903.5).

ClinVar aggregate classification (germline): Uncertain significance (1 of 4 stars; one submission).

Submission:

CeGaT Center for Human Genetics Tuebingen
Classification: Uncertain significance. Last evaluated: 2025-12-01. Review status: criteria provided, single submitter. Criteria: CeGaT Center For Human Genetics Tuebingen Variant Classification Criteria Version 2. Collection method: clinical testing. Allele origin: germline. Affected: yes. Observed: 1 variant allele.
Comment: SLC6A8: PM2